The following is an entry in ClinVar:

NM_003742.4(ABCB11):c.1975C>T (p.Gln659Ter)

Gene: ABCB11 (ATP binding cassette subfamily B member 11; minus strand). Cytogenetic location: 2q31.1.
Variant type: single nucleotide variant.
Coding change: c.1975C>T on transcript NM_003742.4 (MANE Select); coding-DNA position 1975, C replaced by T.
Protein change: p.Gln659Ter; replaces glutamine 659 with a stop codon.
Molecular consequence: nonsense.
Genome position (GRCh38, 1-based): chr2:168,969,386, G>A on the plus strand (C>T on the coding strand, the complement: ABCB11 is on the minus strand). VCF-style: chr2-168969386-G-A. GRCh37 (hg19) VCF-style: chr2-169825896-G-A.
Other names: short protein forms Q659*.
Identifiers: ClinVar variation 1722389 (VCV001722389.2), dbSNP rs1693467305, ClinGen allele CA349111965.

ClinVar aggregate classification (germline): Likely pathogenic. Review status: criteria provided, multiple submitters, no conflicts (2 of 4 stars). 2 submissions from 2 submitters: Likely pathogenic (2). Last evaluated 2025-09-25.

Conditions:
Progressive familial intrahepatic cholestasis (PFIC). Also called: Progressive family intrahepatic cholestasis; Progressive intrahepatic cholestasis. Identifiers: Orphanet 172, MedGen C0268312, MONDO:0015762.
Progressive familial intrahepatic cholestasis type 2. Identifiers: Orphanet 79304, MedGen C3489789, MONDO:0011156, OMIM 601847.

Submissions (2):

Natera, Inc.
Classification: Likely pathogenic for Progressive familial intrahepatic cholestasis type 2. Last evaluated: 2025-09-25. Review status: criteria provided, single submitter. Criteria: Natera Variant Classification Schema (03/2026). Collection method: clinical testing. Allele origin: germline.
Comment: The c.1975C>T variant in ABCB11 is a nonsense variant predicted to introduce a stop codon at amino acid 659. This variant is expected to result in nonsense mediated decay, truncation, or a dysfunctional protein product. This variant is rare in the general population with a frequency below the threshold expected for the associated phenotype(s). Given the available evidence, this variant is classified as Likely Pathogenic.

Women's Health and Genetics/Laboratory Corporation of America, LabCorp
Classification: Likely pathogenic for Progressive familial intrahepatic cholestasis. Last evaluated: 2022-09-20. Review status: criteria provided, single submitter. Criteria: LabCorp Variant Classification Summary - May 2015. Collection method: clinical testing. Allele origin: germline.
Comment: Variant summary: ABCB11 c.1975C>T (p.Gln659X) results in a premature termination codon, predicted to cause a truncation of the encoded protein or absence of the protein due to nonsense mediated decay, which are commonly known mechanisms for disease. Truncations downstream of this position have been classified as pathogenic in ClinVar. The variant was absent in 247776 control chromosomes (gnomAD). To our knowledge, no occurrence of c.1975C>T in individuals affected with Familial Intrahepatic Cholestasis and no experimental evidence demonstrating its impact on protein function have been reported. No clinical diagnostic laboratories have submitted clinical-significance assessments for this variant to ClinVar after 2014. Based on the evidence outlined above, the variant was classified as likely pathogenic.